The following is an entry in ClinVar:

NM_000094.4(COL7A1):c.1172_1173del (p.Asp390_Tyr391insTer)

Gene: COL7A1 (collagen type VII alpha 1 chain; minus strand). Cytogenetic location: 3p21.31.
Variant type: Deletion.
Coding change: c.1172_1173del on transcript NM_000094.4 (MANE Select); coding-DNA positions 1172 to 1173, 2 bases deleted (AT; older notation c.1172_1173delAT).
Protein change: p.Asp390_Tyr391insTer.
Molecular consequence: nonsense.
Genome position (GRCh38, 1-based): chr3:48,592,169-48,592,170, AT deleted on the plus strand (AT on the coding strand, the reverse complement: COL7A1 is on the minus strand); deleting any 2 consecutive bases within chr3:48,592,169-48,592,171 gives the same sequence; the c. name uses the placement nearest the transcript's 3' end. VCF-style (leftmost placement, unchanged base first): chr3-48592168-CAT-C. GRCh37 (hg19) VCF-style: chr3-48629601-CAT-C.
Identifiers: ClinVar variation 2203385 (VCV002203385.4), dbSNP rs2531322688, ClinGen allele CA2577588717.

ClinVar aggregate classification (germline): Pathogenic (1 of 4 stars; one submission).

Submission:

Labcorp Genetics (formerly Invitae), Labcorp
Classification: Pathogenic. Last evaluated: 2022-08-07. Review status: criteria provided, single submitter. Criteria: Invitae Variant Classification Sherloc (09022015). Collection method: clinical testing. Allele origin: germline.
Comment: This sequence change creates a premature translational stop signal (p.Tyr391*) in the COL7A1 gene. It is expected to result in an absent or disrupted protein product. Loss-of-function variants in COL7A1 are known to be pathogenic (PMID: 16971478). This variant is not present in population databases (gnomAD no frequency). This premature translational stop signal has been observed in individual(s) with autosomal recessive epidermolysis bullosa dystrophica (PMID: 8088783). For these reasons, this variant has been classified as Pathogenic.

Literature cited by the submitters: PubMed 16971478; PubMed 8088783.